The following is an entry in ClinVar:

NM_007294.4(BRCA1):c.4132G>A (p.Val1378Ile)

Gene: BRCA1 (BRCA1 DNA repair associated; minus strand). Cytogenetic location: 17q21.31.
Variant type: single nucleotide variant.
Coding change: c.4132G>A on transcript NM_007294.4 (MANE Select); coding-DNA position 4132, G replaced by A.
Protein change: p.Val1378Ile; replaces valine 1378 with isoleucine.
Molecular consequence: missense variant. On other transcripts: non-coding transcript variant (1).
Genome position (GRCh38, 1-based): chr17:43,090,997, C>T on the plus strand (G>A on the coding strand, the complement: BRCA1 is on the minus strand). VCF-style: chr17-43090997-C-T. GRCh37 (hg19) VCF-style: chr17-41243014-C-T.
Other names: p.V1378I:GTC>ATC; c.700G>A, p.Val234Ile (NM_001408436.1, NM_001408437.1, NM_001408438.1 and 12 more transcripts); c.697G>A, p.Val233Ile (NM_001408445.1, NM_001408446.1, NM_001408447.1 and 6 more transcripts); c.688G>A, p.Val230Ile (NM_001408451.1); c.682G>A, p.Val228Ile (NM_001408452.1, NM_001408453.1, NM_001408454.1 and 11 more transcripts); c.679G>A, p.Val227Ile (NM_001408462.1, NM_001408463.1, NM_001408464.1 and 3 more transcripts); c.823G>A, p.Val275Ile (NM_001408472.1, NM_007298.4, NM_007299.4 and 18 more transcripts); c.820G>A, p.Val274Ile (NM_001408473.1, NM_001407972.1, NM_001407984.1 and 13 more transcripts); and 42 more; short protein forms V1378I, V1331I, V275I, V1267I, V1307I, V1310I, V1330I, V1337I.
Identifiers: ClinVar variation 55111 (VCV000055111.58), dbSNP rs28897690, ClinGen allele CA002653.

ClinVar aggregate classification (germline): Benign. Review status: reviewed by expert panel (3 of 4 stars). 20 submissions from 20 submitters: Benign (1). 19 of the submissions do not count toward it. Last evaluated 2019-06-18.

Conditions:
BRCA1-related cancer predisposition. Identifiers: MedGen CN377757, MONDO:0700268.
Breast and/or ovarian cancer. Identifiers: MedGen CN221562.
Hereditary cancer-predisposing syndrome. Also called: Hereditary Cancer Syndrome; Tumor predisposition; Neoplastic Syndromes, Hereditary; Hereditary neoplastic syndrome. Identifiers: Orphanet 140162, MedGen C0027672, MeSH D009386, MONDO:0015356.
Hereditary breast ovarian cancer syndrome. Also called: Breast and ovarian cancer; BRCA1- and BRCA2-Associated Hereditary Breast and Ovarian Cancer; Hereditary breast and ovarian cancer; Hereditary breast and ovarian cancer syndrome (HBOC); Hereditary breast and ovarian cancer syndrome; Hereditary breast and/or ovarian cancer syndrome. Identifiers: Orphanet 145, MedGen C0677776, MeSH D061325, MONDO:0003582. Disease mechanism: loss of function.
Breast-ovarian cancer, familial, susceptibility to, 1 (BROVCA1). Also called: BRCA1 Hereditary Breast and Ovarian Cancer; OVARIAN CANCER, SUSCEPTIBILITY TO. Identifiers: Orphanet 145, MedGen C2676676, MONDO:0011450, OMIM 604370. Disease mechanism: loss of function.
Malignant tumor of breast. Also called: Malignant breast neoplasm; Cancer breast. Identifiers: MedGen C0006142, MONDO:0007254. Disease mechanism: loss of function.

Allele frequency attached by ClinVar (database versions not stated): gnomAD exomes 0.00007 and 0.00017; ExAC 0.00009; ESP Exome Variant Server 0.00015; TOPMed 0.00035.
gnomAD v4.1: 164 of 1,612,732 alleles (0.01%); highest among the groups gnomAD compares: Admixed American, 0.15%; 1 homozygote.

Submissions 1 to 15 of 20:

Evidence-based Network for the Interpretation of Germline Mutant Alleles (ENIGMA)
Classification: Benign for Breast-ovarian cancer, familial, susceptibility to, 1. Last evaluated: 2019-06-18. Review status: reviewed by expert panel. Criteria: ENIGMA BRCA1/2 Classification Criteria (2017-06-29). Collection method: curation. Allele origin: germline.
Comment: IARC class based on posterior probability from multifactorial likelihood analysis, thresholds for class as per Plon et al. 2008 (PMID: 18951446). Class 1 based on posterior probability = 0.000026

Dasa
Classification: Benign for Breast-ovarian cancer, familial, susceptibility to, 1. Last evaluated: 2026-01-19. Review status: criteria provided, single submitter. Criteria: DASA Assertion Criteria. Collection method: clinical testing. Allele origin: germline. Not counted in ClinVar's aggregate classification.
Comment: NM_007294.4(BRCA1):c.4132G>A (p.Val1378Ile) is interpreted as benign based on a combination of available evidence, which may include population frequency, observations in unaffected individuals, intact protein function, lack of segregation with disease, in silico models, amino acid conservation, lack of disease association in case-control studies, and/or inconsistency with the known disease mechanism or impacted region. Based on the available data, this variant is classified as benign.

Labcorp Genetics (formerly Invitae), Labcorp
Classification: Benign for Hereditary breast ovarian cancer syndrome. Last evaluated: 2026-01-09. Review status: criteria provided, single submitter. Criteria: Invitae Variant Classification Sherloc (09022015). Collection method: clinical testing. Allele origin: germline. Not counted in ClinVar's aggregate classification.

All of Us Research Program, National Institutes of Health
Classification: Likely benign for BRCA1-related cancer predisposition. Last evaluated: 2024-09-23. Review status: criteria provided, single submitter. Criteria: ACMG Guidelines, 2015. Collection method: clinical testing. Allele origin: germline. Inheritance: Autosomal dominant inheritance. Observed: 17 variant alleles, 17 heterozygotes. Not counted in ClinVar's aggregate classification.
Comment: This study involves interpretation of variants in research participants for the purpose of population health screening. Participant phenotype was not available at the time of variant classification. Additional details can be found in publication PMID: 35346344, PMCID: PMC8962531

Blueprint Genetics
Classification: Likely benign. Last evaluated: 2024-09-06. Review status: criteria provided, single submitter. Criteria: ACMG Guidelines, 2015. Collection method: clinical testing. Allele origin: germline. Not counted in ClinVar's aggregate classification.

CeGaT Center for Human Genetics Tuebingen
Classification: Benign. Last evaluated: 2024-08-01. Review status: criteria provided, single submitter. Criteria: CeGaT Center For Human Genetics Tuebingen Variant Classification Criteria Version 2. Collection method: clinical testing. Allele origin: germline. Affected: yes. Observed: 2 variant alleles. Not counted in ClinVar's aggregate classification.
Comment: BRCA1: BP4, BS1, BS2

Quest Diagnostics Nichols Institute San Juan Capistrano
Classification: Benign. Last evaluated: 2022-09-08. Review status: criteria provided, single submitter. Criteria: Quest Diagnostics criteria. Collection method: clinical testing. Allele origin: unknown. Not counted in ClinVar's aggregate classification.

Sema4
Classification: Benign for Hereditary cancer-predisposing syndrome. Last evaluated: 2022-01-27. Review status: criteria provided, single submitter. Criteria: Sema4 Curation Guidelines. Collection method: curation. Allele origin: germline. Not counted in ClinVar's aggregate classification.

Women's Health and Genetics/Laboratory Corporation of America, LabCorp
Classification: Benign. Last evaluated: 2021-11-01. Review status: criteria provided, single submitter. Criteria: LabCorp Variant Classification Summary - May 2015. Collection method: clinical testing. Allele origin: germline. Not counted in ClinVar's aggregate classification.
Comment: Variant summary: BRCA1 c.4132G>A (p.Val1378Ile) results in a conservative amino acid change in the encoded protein sequence. Five of five in-silico tools predict a benign effect of the variant on protein function. The variant allele was found at a frequency of 0.00017 in 249014 control chromosomes, predominantly at a frequency of 0.00099 within the Latino subpopulation in the gnomAD database, including 1 homozygote. This frequency is approximately equal to the estimated maximal expected allele frequency for a pathogenic variant in BRCA1 causing Hereditary Breast And Ovarian Cancer Syndrome (0.00099 vs 0.001), suggesting that the variant is a benign polymorphism found primarily in populations of Latino origin. The variant, c.4132G>A, has been reported in the literature in individuals affected with Hereditary Breast and Ovarian Cancer (e.g. Judkins_2005, Andres_2014, Machackova_2019, Santonocito_2020, Dorling_2021) but it was also reported in unaffected controls (Dorling_2021). The variant of interest was identified in several sporadic breast cancer cases but it did not segregate with the disease in a large HBOC family (Santos_2014). Co-occurrences with pathogenic variants have been reported (BRCA2 c.2701delC, p.Ala902LeufsX2; BRCA2 c.5763delT, p.Phe1921LeufsX42; BRCA1 c.5335delC, p.Gln1779AsnfsX14; UMD and Internal testing), providing supporting evidence for a benign role. Experimental evidence evaluating an impact on protein function demonstrated the variant to confer similar activity to wild-type (Bouwman_2013, Lu_2015). Nine ClinVar submitters including an expert panel (ENIGMA) (evaluation after 2014) cite the variant as benign/likely benign while one ClinVar submitter (evaluation after 2014) cites it as uncertain significance. A recent publication involving the ENIGMA network of collaborators (Parsons_2019) assigned a classification of benign based on likelihood ratios (LRs) for pathogenicity estimated from clinical data of co-segregation with disease, co-occurrence with a pathogenic variant, reported family history, breast tumor pathology and bioinformatic predictions. Based on the evidence outlined above, the variant was classified as benign.

CHEO Genetics Diagnostic Laboratory, Children's Hospital of Eastern Ontario
Classification: Likely benign for Breast and/or ovarian cancer. Last evaluated: 2021-10-06. Review status: criteria provided, single submitter. Criteria: ACMG Guidelines, 2015. Collection method: clinical testing. Allele origin: germline. Not counted in ClinVar's aggregate classification.

GeneDx
Classification: Likely benign. Last evaluated: 2020-09-08. Review status: criteria provided, single submitter. Criteria: GeneDx Variant Classification Process June 2021. Collection method: clinical testing. Allele origin: germline. Affected: yes. Not counted in ClinVar's aggregate classification.
Comment: This variant is associated with the following publications: (PMID: 15385441, 30675319, 23867111, 15235020, 16826315, 24607278, 23982851, 25777348, 16267036, 26689913, 23704879, 32438681)

Mendelics
Classification: Likely benign for Breast-ovarian cancer, familial, susceptibility to, 1. Last evaluated: 2019-05-28. Review status: criteria provided, single submitter. Criteria: Mendelics Assertion Criteria 2017. Collection method: clinical testing. Allele origin: unknown. Not counted in ClinVar's aggregate classification.

Ambry Genetics
Classification: Likely benign for Hereditary cancer-predisposing syndrome. Last evaluated: 2019-03-08. Review status: criteria provided, single submitter. Criteria: Ambry Variant Classification Scheme 2023. Collection method: clinical testing. Allele origin: germline. Not counted in ClinVar's aggregate classification.

PreventionGenetics, part of Exact Sciences
Classification: Likely benign. Last evaluated: 2017-03-27. Review status: criteria provided, single submitter. Criteria: ACMG Guidelines, 2015. Collection method: clinical testing. Allele origin: germline. Not counted in ClinVar's aggregate classification.

Color Diagnostics, LLC DBA Color Health
Classification: Likely benign for Hereditary cancer-predisposing syndrome. Last evaluated: 2015-06-08. Review status: criteria provided, single submitter. Criteria: ACMG Guidelines, 2015. Collection method: clinical testing. Allele origin: germline. Not counted in ClinVar's aggregate classification.